The following is an entry in ClinVar:

NM_000091.5(COL4A3):c.184C>T (p.Gln62Ter)

Genes: COL4A3 (collagen type IV alpha 3 chain; plus strand), MFF-DT (MFF divergent transcript; minus strand). Cytogenetic location: 2q36.3.
Variant type: single nucleotide variant.
Coding change: c.184C>T on transcript NM_000091.5 (MANE Select); coding-DNA position 184, C replaced by T.
Protein change: p.Gln62Ter; replaces glutamine 62 with a stop codon.
Molecular consequence: nonsense.
Genome position (GRCh38, 1-based): chr2:227,240,182, C>T. VCF-style: chr2-227240182-C-T. GRCh37 (hg19) VCF-style: chr2-228104898-C-T.
Other names: short protein forms Q62*.
Identifiers: ClinVar variation 1419003 (VCV001419003.6), dbSNP rs2125891603, ClinGen allele CA350859360.

ClinVar aggregate classification (germline): Pathogenic (1 of 4 stars; one submission).

Allele frequency attached by ClinVar (database versions not stated): gnomAD exomes below 0.00001.
gnomAD v4.1: 1 of 1,611,974 alleles (0.000062%); highest among the groups gnomAD compares: Non-Finnish European, 0.000085%; no homozygotes.

Submission:

Labcorp Genetics (formerly Invitae), Labcorp
Classification: Pathogenic. Last evaluated: 2021-05-04. Review status: criteria provided, single submitter. Criteria: Invitae Variant Classification Sherloc (09022015). Collection method: clinical testing. Allele origin: germline.
Comment: For these reasons, this variant has been classified as Pathogenic. This variant has not been reported in the literature in individuals with COL4A3-related conditions. This variant is not present in population databases (ExAC no frequency). This sequence change creates a premature translational stop signal (p.Gln62*) in the COL4A3 gene. It is expected to result in an absent or disrupted protein product. Loss-of-function variants in COL4A3 are known to be pathogenic (PMID: 8956999, 24854265, 26809805, 27281700).

Literature cited by the submitters: PubMed 8956999; PubMed 24854265; PubMed 26809805; PubMed 27281700.